The following is an entry in ClinVar:

ClinVar aggregate classification (germline): Likely benign. Review status: criteria provided, multiple submitters, no conflicts (2 of 4 stars). 4 submissions from 4 submitters: Likely benign (3). 1 of the submissions does not count toward it. Last evaluated 2025-03-30.

Conditions:
Adams-Oliver syndrome 5 (AOS5). Identifiers: Orphanet 974, MedGen C4014970, MONDO:0014459, OMIM 616028.
NOTCH1-related disorder. Also called: NOTCH1-related condition; NOTCH1-related disorders.
Familial thoracic aortic aneurysm and aortic dissection (TAAD). Also called: Thoracic aortic aneurysms and dissections. Identifiers: Orphanet 91387, MedGen C4707243, MONDO:0019625.

Allele frequency attached by ClinVar (database versions not stated): ExAC 0.00001; gnomAD 0.00001; TOPMed 0.00001.
gnomAD v4.1: 15 of 1,612,668 alleles (0.00093%); highest among the groups gnomAD compares: Non-Finnish European, 0.0013%; no homozygotes.

Submissions (4):

Labcorp Genetics (formerly Invitae), Labcorp
Classification: Likely benign for Adams-Oliver syndrome 5. Last evaluated: 2025-03-30. Review status: criteria provided, single submitter. Criteria: Invitae Variant Classification Sherloc (09022015). Collection method: clinical testing. Allele origin: germline.

Blueprint Genetics
Classification: Likely benign. Last evaluated: 2024-10-31. Review status: criteria provided, single submitter. Criteria: ACMG Guidelines, 2015. Collection method: clinical testing. Allele origin: germline.

Ambry Genetics
Classification: Likely benign for Familial thoracic aortic aneurysm and aortic dissection. Last evaluated: 2022-07-11. Review status: criteria provided, single submitter. Criteria: Ambry Variant Classification Scheme 2023. Collection method: clinical testing. Allele origin: germline.

PreventionGenetics, part of Exact Sciences
Classification: Likely benign for NOTCH1-related condition. Last evaluated: 2019-08-20. Review status: no assertion criteria provided. Collection method: clinical testing. Allele origin: germline. Not counted in ClinVar's aggregate classification.
Comment: This variant is classified as likely benign based on ACMG/AMP sequence variant interpretation guidelines (Richards et al. 2015 PMID: 25741868, with internal and published modifications).

NM_017617.5(NOTCH1):c.7011A>C (p.Thr2337=)

Gene: NOTCH1 (notch receptor 1; minus strand). Cytogenetic location: 9q34.3.
Variant type: single nucleotide variant.
Coding change: c.7011A>C on transcript NM_017617.5 (MANE Select); coding-DNA position 7011, A replaced by C.
Protein change: p.Thr2337=; no amino-acid change (threonine 2337 retained).
Molecular consequence: synonymous variant.
Genome position (GRCh38, 1-based): chr9:136,496,728, T>G on the plus strand (A>C on the coding strand, the complement: NOTCH1 is on the minus strand). VCF-style: chr9-136496728-T-G. GRCh37 (hg19) VCF-style: chr9-139391180-T-G.
Other names: c.7011A>C (NM_017617.4).
Identifiers: ClinVar variation 1756689 (VCV001756689.8), dbSNP rs766464482, ClinGen allele CA5339767.